The following is an entry in ClinVar:

NM_005765.3(ATP6AP2):c.878A>C (p.Tyr293Ser)

Gene: ATP6AP2 (ATPase H+ transporting accessory protein 2; plus strand). Cytogenetic location: Xp11.4.
Variant type: single nucleotide variant.
Coding change: c.878A>C on transcript NM_005765.3 (MANE Select); coding-DNA position 878, A replaced by C.
Protein change: p.Tyr293Ser; replaces tyrosine 293 with serine.
Molecular consequence: missense variant.
Genome position (GRCh38, 1-based): chrX:40,605,580, A>C. VCF-style: chrX-40605580-A-C. GRCh37 (hg19) VCF-style: chrX-40464832-A-C.
Other names: short protein forms Y293S.
Identifiers: ClinVar variation 2140001 (VCV002140001.4), dbSNP rs1205959165, ClinGen allele CA412758585.

ClinVar aggregate classification (germline): Uncertain significance (1 of 4 stars; one submission).

Conditions:
Intellectual developmental disorder, X-linked, syndromic, Hedera type. Also called: Syndromic X-linked intellectual disability Hedera type. Identifiers: Orphanet 93952, MedGen C1845543, MONDO:0010319, OMIM 300423.

Allele frequency attached by ClinVar (database versions not stated): gnomAD 0.00001; TOPMed 0.00001.
gnomAD v4.1: 2 of 1,205,477 alleles (0.00017%); highest among the groups gnomAD compares: African/African-American, 0.0018%; no homozygotes.

Submission:

Labcorp Genetics (formerly Invitae), Labcorp
Classification: Uncertain significance for Intellectual developmental disorder, X-linked, syndromic, Hedera type. Last evaluated: 2025-10-26. Review status: criteria provided, single submitter. Criteria: Invitae Variant Classification Sherloc (09022015). Collection method: clinical testing. Allele origin: germline.
Comment: This sequence change replaces tyrosine, which is neutral and polar, with serine, which is neutral and polar, at codon 293 of the ATP6AP2 protein (p.Tyr293Ser). The frequency data for this variant in the population databases is considered unreliable, as metrics indicate poor data quality at this position in the gnomAD database. This variant has not been reported in the literature in individuals affected with ATP6AP2-related conditions. ClinVar contains an entry for this variant (Variation ID: 2140001). Invitae Evidence Modeling of protein sequence and biophysical properties (such as structural, functional, and spatial information, amino acid conservation, physicochemical variation, residue mobility, and thermodynamic stability) indicates that this missense variant is not expected to disrupt ATP6AP2 protein function with a negative predictive value of 80%. In summary, the available evidence is currently insufficient to determine the role of this variant in disease. Therefore, it has been classified as a Variant of Uncertain Significance.